The following is an entry in ClinVar:

ClinVar aggregate classification (germline): Uncertain significance (1 of 4 stars; one submission).

Allele frequency attached by ClinVar (database versions not stated): gnomAD exomes 0.00001 and 0.00003; ExAC 0.00005; gnomAD 0.00008; TOPMed 0.00008; ESP Exome Variant Server 0.00016.
gnomAD v4.1: 28 of 1,613,164 alleles (0.0017%); highest among the groups gnomAD compares: African/African-American, 0.021%; no homozygotes.

Submission:

Labcorp Genetics (formerly Invitae), Labcorp
Classification: Uncertain significance. Last evaluated: 2022-10-05. Review status: criteria provided, single submitter. Criteria: Invitae Variant Classification Sherloc (09022015). Collection method: clinical testing. Allele origin: germline.
Comment: This sequence change replaces arginine, which is basic and polar, with cysteine, which is neutral and slightly polar, at codon 196 of the PEPD protein (p.Arg196Cys). This variant is present in population databases (rs368647287, gnomAD 0.009%). This variant has not been reported in the literature in individuals affected with PEPD-related conditions. ClinVar contains an entry for this variant (Variation ID: 1375971). Advanced modeling of protein sequence and biophysical properties (such as structural, functional, and spatial information, amino acid conservation, physicochemical variation, residue mobility, and thermodynamic stability) performed at Invitae indicates that this missense variant is expected to disrupt PEPD protein function. In summary, the available evidence is currently insufficient to determine the role of this variant in disease. Therefore, it has been classified as a Variant of Uncertain Significance.

NM_000285.4(PEPD):c.586C>T (p.Arg196Cys)

Gene: PEPD (peptidase D; minus strand). Cytogenetic location: 19q13.11.
Variant type: single nucleotide variant.
Coding change: c.586C>T on transcript NM_000285.4 (MANE Select); coding-DNA position 586, C replaced by T.
Protein change: p.Arg196Cys; replaces arginine 196 with cysteine.
Molecular consequence: missense variant. On other transcripts: intron variant (1).
Genome position (GRCh38, 1-based): chr19:33,464,025, G>A on the plus strand (C>T on the coding strand, the complement: PEPD is on the minus strand). VCF-style: chr19-33464025-G-A. GRCh37 (hg19) VCF-style: chr19-33954931-G-A.
Other names: c.394C>T, p.Arg132Cys (NM_001166057.2); c.548+14021C>T (NM_001166056.2); short protein forms R132C, R196C.
Identifiers: ClinVar variation 1375971 (VCV001375971.3), dbSNP rs368647287, ClinGen allele CA9364231.
Genomic context (GRCh38, chr19:33,464,025, plus strand): 5'-CCAGAGCCGGTGCCTGACTTACCTCACGGTGGGCCTCGCTGGAGATTTTATTGGTATAGC[G>A]CAGAACCTCCAGCTCCATATCCGTCTTAAACACTCGGCTTCAGAGACAGAAGAACAAAGC-3'
Protein context (NP_000276.2, residues 186-206): FKTDMELEVL[Arg196Cys]YTNKISSEAH